The following is an entry in ClinVar:

ClinVar aggregate classification (germline): Uncertain significance (1 of 4 stars; one submission).

Submission:

GeneDx
Classification: Uncertain significance. Last evaluated: 2022-12-19. Review status: criteria provided, single submitter. Criteria: GeneDx Variant Classification Process June 2021. Collection method: clinical testing. Allele origin: germline. Affected: yes.
Comment: Not observed at significant frequency in large population cohorts (gnomAD); In silico analysis supports that this missense variant does not alter protein structure/function; Has not been previously published as pathogenic or benign to our knowledge

NM_001122659.3(EDNRB):c.905G>C (p.Arg302Thr)

Genes: EDNRB (endothelin receptor type B; minus strand), EDNRB-AS1 (EDNRB antisense RNA 1; plus strand). Cytogenetic location: 13q22.3.
Variant type: single nucleotide variant.
Coding change: c.905G>C on transcript NM_001122659.3 (MANE Select); coding-DNA position 905, G replaced by C.
Protein change: p.Arg302Thr; replaces arginine 302 with threonine.
Molecular consequence: missense variant.
Genome position (GRCh38, 1-based): chr13:77,901,104, C>G on the plus strand (G>C on the coding strand, the complement: EDNRB is on the minus strand). VCF-style: chr13-77901104-C-G. GRCh37 (hg19) VCF-style: chr13-78475239-C-G.
Other names: c.905G>C, p.Arg302Thr (NM_000115.5, NM_003991.4); c.1175G>C, p.Arg392Thr (NM_001201397.2); short protein forms R302T, R392T.
Identifiers: ClinVar variation 1804432 (VCV001804432.1), dbSNP rs1415699054, ClinGen allele CA388451983.